The following is an entry in ClinVar:

ClinVar aggregate classification (germline): Likely pathogenic (1 of 4 stars; one submission).

Conditions:
Long QT syndrome 1 (LQT1). Identifiers: Orphanet 101016, Orphanet 768, MedGen C4551647, MONDO:0100316, OMIM 192500, MONDO:0008646.

Submission:

MGZ Medical Genetics Center
Classification: Likely pathogenic for Long QT syndrome 1. Last evaluated: 2021-12-23. Review status: criteria provided, single submitter. Criteria: ACMG Guidelines, 2015. Collection method: clinical testing. Allele origin: germline. Affected: yes. Observed: 1 variant allele.
Comment: ACMG criteria applied: PVS1, PM2_SUP

NM_000218.3(KCNQ1):c.514_524dup (p.Gly179fs)

Gene: KCNQ1 (potassium voltage-gated channel subfamily Q member 1; plus strand). Cytogenetic location: 11p15.5.
Variant type: Duplication.
Coding change: c.514_524dup on transcript NM_000218.3 (MANE Select); coding-DNA positions 514 to 524, 11 bases duplicated (GTGGTCCGCCT).
Protein change: p.Gly179fs; shifts the reading frame from glycine 179.
Molecular consequence: frameshift variant.
Genome position (GRCh38, 1-based): chr11:2,570,664-2,570,674, GTGGTCCGCCT duplicated. VCF-style (leftmost placement, unchanged base first): chr11-2570663-C-CGTGGTCCGCCT. GRCh37 (hg19) VCF-style: chr11-2591893-C-CGTGGTCCGCCT.
Other names: c.514_524dup, p.Gly179Serfs (NM_001406836.1); c.244_254dup, p.Gly89Serfs (NM_001406837.1); c.133_143dup, p.Gly52Serfs (NM_181798.2); short protein forms G179fs, G52fs.
Identifiers: ClinVar variation 1709048 (VCV001709048.2), dbSNP rs2493667554, ClinGen allele CA2580082603.